The following is an entry in ClinVar:

ClinVar aggregate classification (germline): Uncertain significance (1 of 4 stars; one submission).

Submission:

Ambry Genetics
Classification: Uncertain significance. Last evaluated: 2026-03-17. Review status: criteria provided, single submitter. Criteria: Ambry Variant Classification Scheme 2023. Collection method: clinical testing. Allele origin: germline.
Comment: The p.V11L variant (also known as c.31G>C), located in coding exon 1 of the SRP72 gene, results from a G to C substitution at nucleotide position 31. The valine at codon 11 is replaced by leucine, an amino acid with highly similar properties. This amino acid position is conserved. In addition, the in silico prediction for this alteration is inconclusive. Based on the available evidence, the clinical significance of this variant remains unclear.

NM_006947.4(SRP72):c.31G>C (p.Val11Leu)

Genes: SRP72 (signal recognition particle 72; plus strand), LOC129992625 (ATAC-STARR-seq lymphoblastoid active region 21580; plus strand). Cytogenetic location: 4q12.
Variant type: single nucleotide variant.
Coding change: c.31G>C on transcript NM_006947.4 (MANE Select); coding-DNA position 31, G replaced by C.
Protein change: p.Val11Leu; replaces valine 11 with leucine.
Molecular consequence: missense variant. On other transcripts: non-coding transcript variant (1).
Genome position (GRCh38, 1-based): chr4:56,467,666, G>C. VCF-style: chr4-56467666-G-C. GRCh37 (hg19) VCF-style: chr4-57333832-G-C.
Other names: c.31G>C, p.Val11Leu (NM_001267722.2); short protein forms V11L.
Identifiers: ClinVar variation 4865114 (VCV004865114.1).
Genomic context (GRCh38, chr4:56,467,666, plus strand): 5'-CTCCCCGCCCCGCCCCTCGTCTCCTCCAAGATGGCGAGCGGCGGCAGCGGGGGGGTGTCA[G>C]TACCTGCGCTGTGGAGTGAAGTGAACCGGTATGGCCAGAACGGCGACTTCACGCGCGCTC-3'
Protein context (NP_008878.3, residues 1-21): MASGGSGGVS[Val11Leu]PALWSEVNRY